The following is an entry in ClinVar:

ClinVar aggregate classification (germline): Pathogenic. Review status: criteria provided, multiple submitters, no conflicts (2 of 4 stars). 2 submissions from 2 submitters: Pathogenic (2). Last evaluated 2024-11-21.

Submissions (2):

Mayo Clinic Laboratories, Mayo Clinic
Classification: Pathogenic. Last evaluated: 2024-11-21. Review status: criteria provided, single submitter. Criteria: ACMG Guidelines, 2015. Collection method: clinical testing. Allele origin: germline. Observed: 1 variant allele.
Comment: PM2_supporting, PM3_supporting, PVS1

Labcorp Genetics (formerly Invitae), Labcorp
Classification: Pathogenic. Last evaluated: 2023-08-14. Review status: criteria provided, single submitter. Criteria: Invitae Variant Classification Sherloc (09022015). Collection method: clinical testing. Allele origin: germline.
Comment: For these reasons, this variant has been classified as Pathogenic. ClinVar contains an entry for this variant (Variation ID: 1452643). This variant has not been reported in the literature in individuals affected with MTTP-related conditions. This variant is not present in population databases (gnomAD no frequency). This sequence change creates a premature translational stop signal (p.Ile344Lysfs*7) in the MTTP gene. It is expected to result in an absent or disrupted protein product. Loss-of-function variants in MTTP are known to be pathogenic (PMID: 8533758, 9671739).

Literature cited by the submitters: PubMed 39373891 (cited by Mayo Clinic Laboratories, Mayo Clinic); PubMed 8533758 (cited by Labcorp Genetics (formerly Invitae), Labcorp); PubMed 9671739 (cited by Labcorp Genetics (formerly Invitae), Labcorp).

NM_001386140.1(MTTP):c.1026_1030dup (p.Ile344fs)

Gene: MTTP (microsomal triglyceride transfer protein; plus strand). Cytogenetic location: 4q23.
Variant type: Duplication.
Coding change: c.1026_1030dup on transcript NM_001386140.1 (MANE Select); coding-DNA positions 1026 to 1030, 5 bases duplicated (AGAGA; older notation c.1026_1030dupAGAGA).
Protein change: p.Ile344fs; shifts the reading frame from isoleucine 344.
Molecular consequence: frameshift variant.
Genome position (GRCh38, 1-based): chr4:99,597,183-99,597,187, AGAGA duplicated; duplicating any 5 consecutive bases within chr4:99,597,180-99,597,187 gives the same sequence; the c. name uses the placement nearest the transcript's 3' end. VCF-style (leftmost placement, unchanged base first): chr4-99597179-A-AAGAAG. GRCh37 (hg19) VCF-style: chr4-100518336-A-AAGAAG.
Other names: p.Ile344Lysfs*7; c.1026_1030dup (NM_000253.3); c.1026_1030dup, p.Ile344fs (NM_000253.4); c.777_781dup, p.Ile261fs (NM_001300785.2); short protein forms I261fs, I344fs.
Identifiers: ClinVar variation 1452643 (VCV001452643.7), dbSNP rs2110222265, ClinGen allele CA2573138516.